The following is an entry in ClinVar:

ClinVar aggregate classification (germline): Benign. Review status: criteria provided, multiple submitters, no conflicts (2 of 4 stars). 2 submissions from 2 submitters: Benign (2). Last evaluated 2018-01-13.

Conditions:
Erythrocyte AMP deaminase deficiency. Identifiers: Orphanet 45, MedGen C2752073, OMIM 612874, MONDO:0020734.

Allele frequency attached by ClinVar (database versions not stated): 1000 Genomes Project 30x 0.99329; 1000 Genomes Project 0.99341; TOPMed 0.99435; gnomAD 0.99467 and 0.99500; gnomAD exomes 1.00000.
gnomAD v4.1: 151,908 of 152,662 alleles (100%); highest among the groups gnomAD compares: Middle Eastern, 100%; 75,579 homozygotes.

Submissions (2):

Illumina Laboratory Services, Illumina
Classification: Benign for Erythrocyte AMP deaminase deficiency. Last evaluated: 2018-01-13. Review status: criteria provided, single submitter. Criteria: ICSL Variant Classification Criteria 13 December 2019. Collection method: clinical testing. Allele origin: germline.
Comment: This variant was observed in the ICSL laboratory as part of a predisposition screen in an ostensibly healthy population. It had not been previously curated by ICSL or reported in the Human Gene Mutation Database (HGMD: prior to June 1st, 2018), and was therefore a candidate for classification through an automated scoring system. Utilizing variant allele frequency, disease prevalence and penetrance estimates, and inheritance mode, an automated score was calculated to assess if this variant is too frequent to cause the disease. Based on the score and internal cut-off values, a variant classified as benign is not then subjected to further curation. The score for this variant resulted in a classification of benign for this disease.

Breakthrough Genomics
Classification: Benign. Review status: criteria provided, single submitter. Criteria: ACMG Guidelines, 2015. Collection method: not provided. Allele origin: germline. Inheritance: Autosomal recessive inheritance. Affected: yes.

NM_001025389.2(AMPD3):c.*1090A>G

Gene: AMPD3 (adenosine monophosphate deaminase 3; plus strand). Cytogenetic location: 11p15.4.
Variant type: single nucleotide variant.
Coding change: c.*1090A>G on transcript NM_001025389.2 (MANE Select); 1090 bases downstream of the stop codon, A replaced by G.
Molecular consequence: 3 prime UTR variant.
Genome position (GRCh38, 1-based): chr11:10,506,974, A>G. VCF-style: chr11-10506974-A-G. GRCh37 (hg19) VCF-style: chr11-10528521-A-G.
Other names: c.*1090A>G (NM_000480.3, NM_001025390.2, NM_001172430.1 and 1 more transcripts).
Identifiers: ClinVar variation 302186 (VCV000302186.6), dbSNP rs1037998, ClinGen allele CA10637450.